The following is an entry in ClinVar:

NM_030948.6(PHACTR1):c.717G>T (p.Pro239=)

Gene: PHACTR1 (phosphatase and actin regulator 1; plus strand). Cytogenetic location: 6p24.1.
Variant type: single nucleotide variant.
Coding change: c.717G>T on transcript NM_030948.6 (MANE Select); coding-DNA position 717, G replaced by T.
Protein change: p.Pro239=; no amino-acid change (proline 239 retained).
Molecular consequence: synonymous variant.
Genome position (GRCh38, 1-based): chr6:13,205,867, G>T. VCF-style: chr6-13205867-G-T. GRCh37 (hg19) VCF-style: chr6-13206099-G-T.
Other names: c.717G>T, p.Pro239= (NM_001242648.4, NM_001322308.3, NM_001322309.3 and 1 more transcripts); c.924G>T, p.Pro308= (NM_001322310.2, NM_001374582.1); c.441G>T, p.Pro147= (NM_001322311.2, NM_001322312.3, NM_001374583.2); c.648G>T, p.Pro216= (NM_001322313.2); c.927G>T, p.Pro309= (NM_001322314.4).
Identifiers: ClinVar variation 2656236 (VCV002656236.24), dbSNP rs373195107, ClinGen allele CA448794614.

ClinVar aggregate classification (germline): Likely benign (1 of 4 stars; one submission).

gnomAD v4.1: 1 of 1,600,352 alleles (0.000062%); highest among the groups gnomAD compares: African/African-American, 0.0013%; no homozygotes.

Submission:

CeGaT Center for Human Genetics Tuebingen
Classification: Likely benign. Last evaluated: 2022-05-01. Review status: criteria provided, single submitter. Criteria: CeGaT Center For Human Genetics Tuebingen Variant Classification Criteria Version 2. Collection method: clinical testing. Allele origin: germline. Affected: yes. Observed: 1 variant allele.
Comment: PHACTR1: BP4, BP7